The following is an entry in ClinVar:

NM_003331.5(TYK2):c.703C>T (p.Arg235Trp)

Gene: TYK2 (tyrosine kinase 2; minus strand). Cytogenetic location: 19p13.2.
Variant type: single nucleotide variant.
Coding change: c.703C>T on transcript NM_003331.5 (MANE Select); coding-DNA position 703, C replaced by T.
Protein change: p.Arg235Trp; replaces arginine 235 with tryptophan.
Molecular consequence: missense variant. On other transcripts: intron variant (1).
Genome position (GRCh38, 1-based): chr19:10,365,825, G>A on the plus strand (C>T on the coding strand, the complement: TYK2 is on the minus strand). VCF-style: chr19-10365825-G-A. GRCh37 (hg19) VCF-style: chr19-10476501-G-A.
Other names: c.703C>T, p.Arg235Trp (NM_001385197.1, NM_001385198.1, NM_001385199.1 and 7 more transcripts); c.630-17C>T (NM_001385205.1); short protein forms R235W.
Identifiers: ClinVar variation 1365486 (VCV001365486.5), dbSNP rs767776173, ClinGen allele CA9193638.
Genomic context (GRCh38, chr19:10,365,825, plus strand): 5'-CCATCTGCTGGGAGAGTCGGCCCGGCTGGAAGTCCCGCAGGAACCTGCGGAAGACGTTCC[G>A]AAGGCGCAGCCGGGTCAGGGCGCTGTGCTGCCGGATATGCCGGCGGAAGGAGCGCGGGAT-3'
Protein context (NP_003322.3, residues 225-245): QHSALTRLRL[Arg235Trp]NVFRRFLRDF

ClinVar aggregate classification (germline): Uncertain significance (1 of 4 stars; one submission).

Conditions:
Immunodeficiency 35 (IMD35). Also called: HIES WITH ATYPICAL MYCOBACTERIOSIS, AUTOSOMAL RECESSIVE; HYPER-IgE SYNDROME WITH ATYPICAL MYCOBACTERIOSIS, AUTOSOMAL RECESSIVE; Susceptibility to infection due to TYK2 deficiency; TYK2 DEFICIENCY. Identifiers: Orphanet 331226, MedGen C1969086, MONDO:0012682, OMIM 611521.

Allele frequency attached by ClinVar (database versions not stated): gnomAD 0.00003 and 0.00004; TOPMed 0.00004; ExAC 0.00006; gnomAD exomes 0.00009.
gnomAD v4.1: 108 of 1,612,340 alleles (0.0067%); highest among the groups gnomAD compares: Admixed American, 0.022%; no homozygotes.

Submission:

Labcorp Genetics (formerly Invitae), Labcorp
Classification: Uncertain significance for Immunodeficiency 35. Last evaluated: 2021-09-17. Review status: criteria provided, single submitter. Criteria: Invitae Variant Classification Sherloc (09022015). Collection method: clinical testing. Allele origin: germline.
Comment: This sequence change replaces arginine with tryptophan at codon 235 of the TYK2 protein (p.Arg235Trp). The arginine residue is highly conserved and there is a moderate physicochemical difference between arginine and tryptophan. This variant is present in population databases (rs767776173, ExAC 0.02%). This variant has not been reported in the literature in individuals affected with TYK2-related conditions. Algorithms developed to predict the effect of missense changes on protein structure and function output the following: SIFT: "Not Available"; PolyPhen-2: "Benign"; Align-GVGD: "Not Available". The tryptophan amino acid residue is found in multiple mammalian species, which suggests that this missense change does not adversely affect protein function. In summary, the available evidence is currently insufficient to determine the role of this variant in disease. Therefore, it has been classified as a Variant of Uncertain Significance.